The following is an entry in ClinVar:

ClinVar aggregate classification (germline): Uncertain significance (1 of 4 stars; one submission).

Conditions:
Spondyloenchondrodysplasia with immune dysregulation (SPENCDI). Also called: ROIFMAN IMMUNOSKELETAL SYNDROME; SPONDYLOENCHONDRODYSPLASIA WITH OR WITHOUT IMMUNE DYSREGULATION; COMBINED IMMUNODEFICIENCY WITH AUTOIMMUNITY AND SPONDYLOMETAPHYSEAL DYSPLASIA. Identifiers: Orphanet 1855, MedGen C1842763, MONDO:0011939, OMIM 607944.

Submission:

Labcorp Genetics (formerly Invitae), Labcorp
Classification: Uncertain significance for Spondyloenchondrodysplasia with immune dysregulation. Last evaluated: 2020-03-07. Review status: criteria provided, single submitter. Criteria: Invitae Variant Classification Sherloc (09022015). Collection method: clinical testing. Allele origin: germline.
Comment: In summary, the available evidence is currently insufficient to determine the role of this variant in disease. Therefore, it has been classified as a Variant of Uncertain Significance. This sequence change replaces threonine with isoleucine at codon 305 of the ACP5 protein (p.Thr305Ile). The threonine residue is moderately conserved and there is a moderate physicochemical difference between threonine and isoleucine. This variant is not present in population databases (ExAC no frequency). This variant has not been reported in the literature in individuals with ACP5-related conditions. Algorithms developed to predict the effect of missense changes on protein structure and function are either unavailable or do not agree on the potential impact of this missense change (SIFT: "Not Available"; PolyPhen-2: "Possibly Damaging"; Align-GVGD: "Not Available").

NM_001611.5(ACP5):c.914C>T (p.Thr305Ile)

Gene: ACP5 (acid phosphatase 5, tartrate resistant; minus strand). Cytogenetic location: 19p13.2.
Variant type: single nucleotide variant.
Coding change: c.914C>T on transcript NM_001611.5 (MANE Select); coding-DNA position 914, C replaced by T.
Protein change: p.Thr305Ile; replaces threonine 305 with isoleucine.
Molecular consequence: missense variant.
Genome position (GRCh38, 1-based): chr19:11,575,074, G>A on the plus strand (C>T on the coding strand, the complement: ACP5 is on the minus strand). VCF-style: chr19-11575074-G-A. GRCh37 (hg19) VCF-style: chr19-11685889-G-A.
Other names: c.914C>T, p.Thr305Ile (NM_001111034.3, NM_001111035.3, NM_001111036.3 and 1 more transcripts); short protein forms T305I.
Identifiers: ClinVar variation 1061272 (VCV001061272.7), dbSNP rs2145081185, ClinGen allele CA404145042.
Genomic context (GRCh38, chr19:11,575,074, plus strand): 5'-GGCCTGGCTCGCCTCGGCAGCCTGGTCTTAAAGAGGGACTTGCCCGAGGCCTCGATGTAA[G>A]TGACAGTCATCTCTTTGGAGCTGATCTCCACATAGGCAAAGCCACCCAGTGAGTCTTCAG-3'
Protein context (NP_001602.1, residues 295-315): VEISSKEMTV[Thr305Ile]YIEASGKSLF